The following is an entry in ClinVar:

NM_000545.8(HNF1A):c.461T>G (p.Met154Arg)

Gene: HNF1A (HNF1 homeobox A; plus strand). Cytogenetic location: 12q24.31.
Variant type: single nucleotide variant.
Coding change: c.461T>G on transcript NM_000545.8 (MANE Select); coding-DNA position 461, T replaced by G.
Protein change: p.Met154Arg; replaces methionine 154 with arginine.
Molecular consequence: missense variant.
Genome position (GRCh38, 1-based): chr12:120,988,967, T>G. VCF-style: chr12-120988967-T-G. GRCh37 (hg19) VCF-style: chr12-121426770-T-G.
Other names: NM_000545.8(HNF1A):c.461T>G; p.Met154Arg; c.461T>G, p.Met154Arg (NM_001306179.2, NM_001406915.1); short protein forms M154R.
Identifiers: ClinVar variation 1807441 (VCV001807441.1), dbSNP rs2135832753, ClinGen allele CA386960246.

ClinVar aggregate classification (germline): Uncertain significance. Review status: reviewed by expert panel (3 of 4 stars). 2 submissions from 2 submitters: Uncertain significance (1). 1 of the submissions does not count toward it. Last evaluated 2025-01-29.

Conditions:
Monogenic diabetes. Identifiers: Orphanet 183625, MedGen C3888631, MONDO:0015967.

Submissions (2):

ClinGen Monogenic Diabetes Variant Curation Expert Panel
Classification: Uncertain significance for Monogenic diabetes. Last evaluated: 2025-01-29. Review status: reviewed by expert panel. Criteria: ClinGen Diabetes ACMG Specifications HNF1A V2.1.0. Collection method: curation. Allele origin: germline. Inheritance: Autosomal dominant inheritance.
Comment: The c.461T>G variant in the HNF1 homeobox A gene, HNF1A, causes an amino acid change of methionine to arginine at codon 154 (p.(Met154Arg)) of NM_000545.8. This variant is located within a conserved region of the DNA binding domain (codons 107-174 and 201-280) of HNF1A, which is defined as critical for the protein’s function by the ClinGen MDEP (PM1_Supporting). This variant is absent from gnomAD v2.1.1 (PM2_Supporting). This variant is predicted to be deleterious by computational evidence, with a REVEL score of 0.978, which is greater than the MDEP VCEP threshold of 0.70 (PP3). Two other missense variants, c.460A>G p.(Met154Val) and c.461T>C p.(Met154Thr) have been classified as likely pathogenic by the ClinGen MDEP (PM5_Supporting). In summary, c.461T>G meets the criteria to be classified as a variant of uncertain significance for monogenic diabetes. ACMG/AMP criteria applied, as specified by the ClinGen MDEP (specification version 2.1.0, approved 8/11/2023): PM1_Supporting, PM2_Supporting, PM5_Supporting, PP3.

Athena Diagnostics
Classification: Uncertain significance. Last evaluated: 2022-09-19. Review status: criteria provided, single submitter. Criteria: Athena Diagnostics Criteria. Collection method: clinical testing. Allele origin: unknown. Not counted in ClinVar's aggregate classification.

Literature cited by the submitters: PubMed 18003757 (cited by Athena Diagnostics).